The following is an entry in ClinVar:

NM_032043.3(BRIP1):c.388G>A (p.Glu130Lys)

Gene: BRIP1 (BRCA1 interacting DNA helicase 1; minus strand). Cytogenetic location: 17q23.2.
Variant type: single nucleotide variant.
Coding change: c.388G>A on transcript NM_032043.3 (MANE Select); coding-DNA position 388, G replaced by A.
Protein change: p.Glu130Lys; replaces glutamic acid 130 with lysine.
Molecular consequence: missense variant.
Genome position (GRCh38, 1-based): chr17:61,849,248, C>T on the plus strand (G>A on the coding strand, the complement: BRIP1 is on the minus strand). VCF-style: chr17-61849248-C-T. GRCh37 (hg19) VCF-style: chr17-59926609-C-T.
Other names: short protein forms E130K.
Identifiers: ClinVar variation 230947 (VCV000230947.26), dbSNP rs876658860, ClinGen allele CA10580880.
Genomic context (GRCh38, chr17:61,849,248, plus strand): 5'-CATCTCTGTATATGGATGCCTGTTTCTTAGCAGATAACTTTGCAGCCAGAGTGGTTTTTT[C>T]AGGGGAGTCTTATATAAGTAATTTAAAAAAAACAGCATAAATAACTTACAGGTAGGCAAT-3'
Protein context (NP_114432.2, residues 120-140): GTSSTCQDSP[Glu130Lys]KTTLAAKLSA

ClinVar aggregate classification (germline): Conflicting classifications of pathogenicity. Review status: criteria provided, conflicting classifications (1 of 4 stars). 5 submissions from 5 submitters: Likely pathogenic (1); Uncertain significance (4). Last evaluated 2026-09-04.

Conditions:
Hereditary cancer-predisposing syndrome. Also called: Tumor predisposition; Neoplastic Syndromes, Hereditary; Hereditary Cancer Syndrome; Hereditary neoplastic syndrome. Identifiers: Orphanet 140162, MedGen C0027672, MeSH D009386, MONDO:0015356.
Familial cancer of breast. Also called: hereditary breast carcinoma; BREAST CANCER, FAMILIAL; Hereditary breast cancer. Identifiers: Orphanet 227535, MedGen C0346153, MONDO:0016419, OMIM 114480. Disease mechanism: loss of function.
Fanconi anemia complementation group J. Also called: BRIP1-Related Fanconi Anemia. Identifiers: Orphanet 84, MedGen C1836860, MONDO:0012187, OMIM 609054.

Allele frequency attached by ClinVar (database versions not stated): gnomAD exomes below 0.00001.

Submissions (5):

Ambry Genetics
Classification: Likely pathogenic for Hereditary cancer-predisposing syndrome. Last evaluated: 2026-09-04. Review status: criteria provided, single submitter. Criteria: Ambry Variant Classification Scheme 2023. Collection method: clinical testing. Allele origin: germline.
Comment: The c.388G>A variant (also known as p.E130K), located in coding exon 4 of the BRIP1 gene, results from a G to A substitution at nucleotide position 388. The glutamic acid at codon 130 is replaced by lysine, an amino acid with similar properties. This nucleotide position is well conserved in available vertebrate species. In silico splice site analysis predicts that this alteration may weaken the native splice acceptor site. RNA studies have demonstrated that this variant results in abnormal splicing in the set of samples tested (Ambry internal data). This variant is considered to be rare based on population cohorts in the Genome Aggregation Database (gnomAD). Based on the majority of available evidence to date, this variant is likely to be pathogenic.

Labcorp Genetics (formerly Invitae), Labcorp
Classification: Uncertain significance for Familial cancer of breast; Fanconi anemia complementation group J. Last evaluated: 2025-12-21. Review status: criteria provided, single submitter. Criteria: Invitae Variant Classification Sherloc (09022015). Collection method: clinical testing. Allele origin: germline.
Comment: This sequence change replaces glutamic acid, which is acidic and polar, with lysine, which is basic and polar, at codon 130 of the BRIP1 protein (p.Glu130Lys). This variant is present in population databases (no rsID available, gnomAD 0.0009%). This missense change has been observed in individual(s) with ovarian cancer (PMID: 26315354). ClinVar contains an entry for this variant (Variation ID: 230947). Invitae Evidence Modeling of protein sequence and biophysical properties (such as structural, functional, and spatial information, amino acid conservation, physicochemical variation, residue mobility, and thermodynamic stability) indicates that this missense variant is not expected to disrupt BRIP1 protein function with a negative predictive value of 95%. Algorithms developed to predict the effect of sequence changes on RNA splicing suggest that this variant may disrupt the consensus splice site. In summary, the available evidence is currently insufficient to determine the role of this variant in disease. Therefore, it has been classified as a Variant of Uncertain Significance.

Women's Health and Genetics/Laboratory Corporation of America, LabCorp
Classification: Uncertain significance. Last evaluated: 2024-11-11. Review status: criteria provided, single submitter. Criteria: LabCorp Variant Classification Summary - May 2015. Collection method: clinical testing. Allele origin: germline.
Comment: Variant summary: BRIP1 c.388G>A (p.Glu130Lys) results in a conservative amino acid change located in the Helicase-like, DEXD box c2 type of the encoded protein sequence. Five of five in-silico tools predict a benign effect of the variant on protein function. The variant allele was found at a frequency of 4e-06 in 250896 control chromosomes. The available data on variant occurrences in the general population are insufficient to allow any conclusion about variant significance. c.388G>A has been reported in the literature in an individual affected with ovarian cancer (Ramus_2015), although no clear association between the variant and disease was described. These report(s) do not provide unequivocal conclusions about association of the variant with Hereditary Breast And Ovarian Cancer Syndrome. To our knowledge, no experimental evidence demonstrating an impact on protein function has been reported. The following publication have been ascertained in the context of this evaluation (PMID: 26315354). ClinVar contains an entry for this variant (Variation ID: 230947). Based on the evidence outlined above, the variant was classified as uncertain significance.

Baylor Genetics
Classification: Uncertain significance for Familial cancer of breast. Last evaluated: 2024-02-01. Review status: criteria provided, single submitter. Criteria: ACMG Guidelines, 2015. Collection method: clinical testing. Allele origin: unknown.

Color Diagnostics, LLC DBA Color Health
Classification: Uncertain significance for Hereditary cancer-predisposing syndrome. Last evaluated: 2022-02-01. Review status: criteria provided, single submitter. Criteria: ACMG Guidelines, 2015. Collection method: clinical testing. Allele origin: germline.
Comment: This missense variant replaces glutamic acid with lysine at codon 130 of the BRIP1 protein. Computational prediction suggests that this variant may not impact protein structure and function (internally defined REVEL score threshold <= 0.5, PMID: 27666373). To our knowledge, functional studies have not been reported for this variant. This variant has been reported in an individual affected with ovarian cancer (PMID: 26315354). This variant has been identified in 1/250896 chromosomes in the general population by the Genome Aggregation Database (gnomAD). The available evidence is insufficient to determine the role of this variant in disease conclusively. Therefore, this variant is classified as a Variant of Uncertain Significance.

Literature cited by the submitters: PubMed 26315354 (cited by 3 submitters).